The following is an entry in ClinVar:

NM_012186.3(FOXE3):c.56_59del (p.Leu19fs)

Genes: FOXE3 (forkhead box E3; plus strand), LINC01389 (long independently transcribed non-coding RNA 1389; minus strand). Cytogenetic location: 1p33.
Variant type: Deletion.
Coding change: c.56_59del on transcript NM_012186.3 (MANE Select); coding-DNA positions 56 to 59, 4 bases deleted (TGCC; older notation c.56_59delTGCC).
Protein change: p.Leu19fs; shifts the reading frame from leucine 19.
Molecular consequence: frameshift variant.
Genome position (GRCh38, 1-based): chr1:47,416,371-47,416,374, TGCC deleted; deleting any 4 consecutive bases within chr1:47,416,369-47,416,374 gives the same sequence; the c. name uses the placement nearest the transcript's 3' end. VCF-style (leftmost placement, unchanged base first): chr1-47416368-CCCTG-C. GRCh37 (hg19) VCF-style: chr1-47882040-CCCTG-C.
Other names: short protein forms L19fs.
Identifiers: ClinVar variation 3756762 (VCV003756762.2).

ClinVar aggregate classification (germline): Pathogenic (1 of 4 stars; one submission).

Conditions:
Congenital primary aphakia. Also called: Anterior segment dysgenesis 2, multiple subtypes; ANTERIOR SEGMENT DYSGENESIS 2. Identifiers: Orphanet 83461, MedGen C1853230, MONDO:0012456, OMIM 610256.
Anterior segment dysgenesis. Also called: Ocular anterior segment dysgenesis. Identifiers: Orphanet 88632, MedGen C1862839, MONDO:0019503, HP:0007700.

Submission:

Labcorp Genetics (formerly Invitae), Labcorp
Classification: Pathogenic for Anterior segment dysgenesis; Congenital primary aphakia. Last evaluated: 2024-06-10. Review status: criteria provided, single submitter. Criteria: Invitae Variant Classification Sherloc (09022015). Collection method: clinical testing. Allele origin: germline.
Comment: This sequence change creates a premature translational stop signal (p.Leu19Glnfs*204) in the FOXE3 gene. While this is not anticipated to result in nonsense mediated decay, it is expected to disrupt the last 301 amino acid(s) of the FOXE3 protein. This variant is not present in population databases (gnomAD no frequency). This variant has not been reported in the literature in individuals affected with FOXE3-related conditions. This variant disrupts a region of the FOXE3 protein in which other variant(s) (p.Cys240*) have been determined to be pathogenic (PMID: 16826526, 34046667). This suggests that this is a clinically significant region of the protein, and that variants that disrupt it are likely to be disease-causing. For these reasons, this variant has been classified as Pathogenic.

Literature cited by the submitters: PubMed 16826526; PubMed 34046667.